The following is an entry in ClinVar:

ClinVar aggregate classification (germline): Conflicting classifications of pathogenicity. Review status: criteria provided, conflicting classifications (1 of 4 stars). 8 submissions from 7 submitters: Uncertain significance (7); Likely benign (1). Last evaluated 2026-01-12.

Conditions:
POLD1-related polyposis and colorectal cancer syndrome (CRCS10). Also called: Colorectal cancer, susceptibility to, 10; Colorectal cancer 10; COLORECTAL CANCER, SUSCEPTIBILITY TO, ON CHROMOSOME 19q. Identifiers: Orphanet 220460, MedGen C2675481, MONDO:0012953, OMIM 612591.
Hereditary cancer-predisposing syndrome. Also called: Neoplastic Syndromes, Hereditary; Hereditary neoplastic syndrome; Hereditary Cancer Syndrome; Tumor predisposition. Identifiers: Orphanet 140162, MedGen C0027672, MeSH D009386, MONDO:0015356.
Immunodeficiency 120. Identifiers: MedGen C5935622, MONDO:0970994, OMIM 620836.
Mandibular hypoplasia-deafness-progeroid syndrome. Also called: Mandibular hypoplasia, deafness, progeroid features, and lipodystrophy syndrome. Identifiers: Orphanet 363649, MedGen C3715192, MONDO:0014157, OMIM 615381.

Allele frequency attached by ClinVar (database versions not stated): gnomAD exomes 0.00004; TOPMed 0.00004; ExAC 0.00005; gnomAD 0.00006 and 0.00007.
gnomAD v4.1: 46 of 1,607,314 alleles (0.0029%); highest among the groups gnomAD compares: African/African-American, 0.017%; 1 homozygote.

Submissions (8):

Labcorp Genetics (formerly Invitae), Labcorp
Classification: Uncertain significance for POLD1-related polyposis and colorectal cancer syndrome. Last evaluated: 2026-01-12. Review status: criteria provided, single submitter. Criteria: Invitae Variant Classification Sherloc (09022015). Collection method: clinical testing. Allele origin: germline.
Comment: This sequence change replaces glycine, which is neutral and non-polar, with arginine, which is basic and polar, at codon 12 of the POLD1 protein (p.Gly12Arg). This variant is present in population databases (rs772197667, gnomAD 0.03%). This variant has not been reported in the literature in individuals affected with POLD1-related conditions. ClinVar contains an entry for this variant (Variation ID: 407998). Experimental studies and prediction algorithms are not available or were not evaluated, and the functional significance of this variant is currently unknown. In summary, the available evidence is currently insufficient to determine the role of this variant in disease. Therefore, it has been classified as a Variant of Uncertain Significance.

Ambry Genetics
Classification: Uncertain significance for Hereditary cancer-predisposing syndrome. Last evaluated: 2024-12-03. Review status: criteria provided, single submitter. Criteria: Ambry Variant Classification Scheme 2023. Collection method: clinical testing. Allele origin: germline.

GeneDx
Classification: Uncertain significance. Last evaluated: 2024-11-07. Review status: criteria provided, single submitter. Criteria: GeneDx Variant Classification Process June 2021. Collection method: clinical testing. Allele origin: germline. Affected: yes.
Comment: In silico analysis supports that this missense variant does not alter protein structure/function; Has not been previously published as pathogenic or benign to our knowledge

Fulgent Genetics
Classification: Uncertain significance for POLD1-related polyposis and colorectal cancer syndrome; Mandibular hypoplasia-deafness-progeroid syndrome; Immunodeficiency 120. Last evaluated: 2024-03-29. Review status: criteria provided, single submitter. Criteria: ACMG Guidelines, 2015. Collection method: clinical testing. Allele origin: germline.

Sema4
Classification: Likely benign for Hereditary cancer-predisposing syndrome. Last evaluated: 2020-11-25. Review status: criteria provided, single submitter. Criteria: Sema4 Curation Guidelines. Collection method: curation. Allele origin: germline.

Revvity Omics, Revvity
Classification: Uncertain significance for Mandibular hypoplasia-deafness-progeroid syndrome. Last evaluated: 2020-05-15. Review status: criteria provided, single submitter. Criteria: ACMG Guidelines, 2015. Collection method: clinical testing. Allele origin: germline.

Fulgent Genetics
Classification: Uncertain significance for POLD1-related polyposis and colorectal cancer syndrome; Mandibular hypoplasia-deafness-progeroid syndrome. Last evaluated: 2018-10-31. Review status: criteria provided, single submitter. Criteria: ACMG Guidelines, 2015. Collection method: clinical testing. Allele origin: unknown.

Quest Diagnostics Nichols Institute San Juan Capistrano
Classification: Uncertain significance. Last evaluated: 2017-03-31. Review status: criteria provided, single submitter. Criteria: Quest Diagnostics criteria. Collection method: clinical testing. Allele origin: germline.

NM_002691.4(POLD1):c.34G>A (p.Gly12Arg)

Gene: POLD1 (DNA polymerase delta 1, catalytic subunit; plus strand). Cytogenetic location: 19q13.33.
Variant type: single nucleotide variant.
Coding change: c.34G>A on transcript NM_002691.4 (MANE Select); coding-DNA position 34, G replaced by A.
Protein change: p.Gly12Arg; replaces glycine 12 with arginine.
Molecular consequence: missense variant. On other transcripts: non-coding transcript variant (1).
Genome position (GRCh38, 1-based): chr19:50,398,885, G>A. VCF-style: chr19-50398885-G-A. GRCh37 (hg19) VCF-style: chr19-50902142-G-A.
Other names: c.34G>A (NM_002691.2); c.34G>A, p.Gly12Arg (NM_001256849.1, NM_001308632.1); short protein forms G12R.
Identifiers: ClinVar variation 407998 (VCV000407998.23), dbSNP rs772197667, ClinGen allele CA9595588.
Genomic context (GRCh38, chr19:50,398,885, plus strand): 5'-CCACCAAGCTCCAACTTGCCCAGCAGGATGGATGGCAAGCGGCGGCCAGGCCCAGGGCCC[G>A]GGGTGCCCCCAAAGCGGGCCCGTGGGGGCCTCTGGGATGATGATGATGCACCTCGGCCAT-3'
Protein context (NP_002682.2, residues 2-22): DGKRRPGPGP[Gly12Arg]VPPKRARGGL